The following is an entry in ClinVar:

NM_001199799.2(ILDR1):c.461C>T (p.Ser154Leu)

Gene: ILDR1 (immunoglobulin like domain containing receptor 1; minus strand). Cytogenetic location: 3q13.33.
Variant type: single nucleotide variant.
Coding change: c.461C>T on transcript NM_001199799.2 (MANE Select); coding-DNA position 461, C replaced by T.
Protein change: p.Ser154Leu; replaces serine 154 with leucine.
Molecular consequence: missense variant. On other transcripts: intron variant (1).
Genome position (GRCh38, 1-based): chr3:122,001,783, G>A on the plus strand (C>T on the coding strand, the complement: ILDR1 is on the minus strand). VCF-style: chr3-122001783-G-A. GRCh37 (hg19) VCF-style: chr3-121720630-G-A.
Other names: c.461C>T, p.Ser154Leu (NM_175924.4); c.379+3461C>T (NM_001199800.2); short protein forms S154L.
Identifiers: ClinVar variation 163702 (VCV000163702.16), dbSNP rs115649165, ClinGen allele CA176367.

ClinVar aggregate classification (germline): Uncertain significance. Review status: criteria provided, multiple submitters, no conflicts (2 of 4 stars). 8 submissions from 8 submitters: Uncertain significance (7). 1 of the submissions does not count toward it. Last evaluated 2026-03-31.

Conditions:
ILDR1-related disorder. Also called: ILDR1-related condition.
Inborn genetic diseases. Identifiers: MedGen C0950123, MeSH D030342.
Hearing impairment. Also called: Impaired Hearing. Identifiers: MedGen C1384666, MONDO:0005365, HP:0000365.

Allele frequency attached by ClinVar (database versions not stated): 1000 Genomes Project 30x 0.00031; 1000 Genomes Project 0.00040; ExAC 0.00041; gnomAD exomes 0.00043 and 0.00077; TOPMed 0.00049; gnomAD 0.00057; ESP Exome Variant Server 0.00092.
gnomAD v4.1: 1,220 of 1,612,906 alleles (0.076%); highest among the groups gnomAD compares: Non-Finnish European, 0.096%; no homozygotes.

Submissions (8):

PreventionGenetics, part of Exact Sciences
Classification: Uncertain significance for ILDR1-related condition. Last evaluated: 2026-03-31. Review status: criteria provided, single submitter. Criteria: ACMG Guidelines, 2015. Collection method: clinical testing. Allele origin: germline.
Comment: The ILDR1 c.461C>T variant is predicted to result in the amino acid substitution p.Ser154Leu. To our knowledge, this variant has not been reported in the literature. This variant is reported in 0.079% of alleles in individuals of European (Non-Finnish) descent in gnomAD. Although we suspect that this variant may be benign, at this time, the clinical significance of this variant is uncertain due to the absence of conclusive functional and genetic evidence.

GeneDx
Classification: Uncertain significance. Last evaluated: 2025-11-12. Review status: criteria provided, single submitter. Criteria: GeneDx Variant Classification Process June 2021. Collection method: clinical testing. Allele origin: germline.
Comment: In silico analysis supports that this missense variant has a deleterious effect on protein structure/function; Has not been previously published as pathogenic or benign to our knowledge

Blueprint Genetics
Classification: Uncertain significance. Last evaluated: 2024-10-08. Review status: criteria provided, single submitter. Criteria: ACMG Guidelines, 2015. Collection method: clinical testing. Allele origin: germline.

Labcorp Genetics (formerly Invitae), Labcorp
Classification: Uncertain significance. Last evaluated: 2022-08-02. Review status: criteria provided, single submitter. Criteria: Invitae Variant Classification Sherloc (09022015). Collection method: clinical testing. Allele origin: germline.
Comment: This sequence change replaces serine, which is neutral and polar, with leucine, which is neutral and non-polar, at codon 154 of the ILDR1 protein (p.Ser154Leu). This variant is present in population databases (rs115649165, gnomAD 0.08%), and has an allele count higher than expected for a pathogenic variant. This variant has not been reported in the literature in individuals affected with ILDR1-related conditions. ClinVar contains an entry for this variant (Variation ID: 163702). Algorithms developed to predict the effect of missense changes on protein structure and function are either unavailable or do not agree on the potential impact of this missense change (SIFT: "Deleterious"; PolyPhen-2: "Probably Damaging"; Align-GVGD: "Class C15"). In summary, the available evidence is currently insufficient to determine the role of this variant in disease. Therefore, it has been classified as a Variant of Uncertain Significance.

Ambry Genetics
Classification: Uncertain significance for Inborn genetic diseases. Last evaluated: 2021-08-16. Review status: criteria provided, single submitter. Criteria: Ambry Variant Classification Scheme 2023. Collection method: clinical testing. Allele origin: germline.

Department of Otolaryngology – Head & Neck Surgery, Cochlear Implant Center
Classification: Uncertain significance for Hearing impairment. Last evaluated: 2021-04-12. Review status: criteria provided, single submitter. Criteria: ClinGen HL ACMG Specifications v1. Collection method: clinical testing. Allele origin: germline. Affected: yes.
Comment: PM2_Supporting, BP4_Supporting

Laboratory for Molecular Medicine, Mass General Brigham Personalized Medicine
Classification: Uncertain significance. Last evaluated: 2013-07-20. Review status: criteria provided, single submitter. Criteria: LMM Criteria. Collection method: clinical testing. Allele origin: germline. Observed: 1 variant allele.
Comment: Variant classified as Uncertain Significance - Favor Benign. The Ser154Leu varia nt in ILDR1 has not been reported individuals with hearing loss, but has been i dentified in 0.1% (10/8600) of European American chromosomes by the NHLBI Exome Sequencing Project (dbSNP rs115649165). Alth ough this variant has been seen in the general population, its frequency is not high enough to rule out a pathogenic role. Computational analyses (biochemical amino acid properties, conservation, AlignGVGD, PolyPhen2, and SIFT) do not prov ide strong support for or against an impact to the protein. In summary, the cli nical significance of this variant cannot be determined with certainty; however, based its presence in the general population, we lean towards a more likely ben ign role.

Department of Pathology and Laboratory Medicine, Sinai Health System
Classification: Uncertain significance. Review status: no assertion criteria provided. Collection method: clinical testing. Allele origin: unknown. Affected: yes. Study: The Canadian Open Genetics Repository (COGR). Not counted in ClinVar's aggregate classification.
Comment: The ILDR1 p.Ser154Leu variant was not identified in the literature nor was it identified in Cosmic. The variant was identified in dbSNP (ID: rs115649165), ClinVar (variant is classified as a VUS by the Laboratory for Molecular Medicine, Partners HealthCare Personalized Medicine) and in LOVD 3.0 (variant is listed as VUS). The variant was also identified in control databases in 125 of 282676 chromosomes at a frequency of 0.000442 increasing the likelihood this could be a low frequency benign variant (Genome Aggregation Database Feb 27, 2017). The variant was observed in the following populations: European (non-Finnish) in 102 of 129062 chromosomes (freq: 0.00079), Other in 5 of 7222 chromosomes (freq: 0.000692), Latino in 9 of 35438 chromosomes (freq: 0.000254), African in 6 of 24904 chromosomes (freq: 0.000241) and European (Finnish) in 3 of 25112 chromosomes (freq: 0.00012); it was not observed in the Ashkenazi Jewish, East Asian, and South Asian populations. The p.Ser154 residue is conserved across mammals and other organisms, and four out of five computational analyses (PolyPhen-2, SIFT, AlignGVGD, BLOSUM, MutationTaster) suggest that the variant may impact the protein; however, this information is not predictive enough to assume pathogenicity. In summary, based on the above information the clinical significance of this variant cannot be determined with certainty at this time. This variant is classified as a variant of uncertain significance.